The following is an entry in ClinVar:

ClinVar aggregate classification (germline): Uncertain significance (1 of 4 stars; one submission).

gnomAD v4.1: 1 of 1,260,324 alleles (0.000079%); highest among the groups gnomAD compares: South Asian, 0.0018%; no homozygotes.

Submission:

Labcorp Genetics (formerly Invitae), Labcorp
Classification: Uncertain significance. Last evaluated: 2025-12-14. Review status: criteria provided, single submitter. Criteria: Invitae Variant Classification Sherloc (09022015). Collection method: clinical testing. Allele origin: germline.
Comment: This sequence change falls in intron 1 of the TNFRSF11A gene. It does not directly change the encoded amino acid sequence of the TNFRSF11A protein. It affects a nucleotide within the consensus splice site. This variant is not present in population databases (gnomAD no frequency). This variant has not been reported in the literature in individuals affected with TNFRSF11A-related conditions. Variants that disrupt the consensus splice site are a relatively common cause of aberrant splicing (PMID: 17576681, 9536098). Algorithms developed to predict the effect of sequence changes on RNA splicing suggest that this variant is not likely to affect RNA splicing. In summary, the available evidence is currently insufficient to determine the role of this variant in disease. Therefore, it has been classified as a Variant of Uncertain Significance.

Literature cited by the submitters: PubMed 17576681; PubMed 9536098.

NM_003839.4(TNFRSF11A):c.75+6G>C

Gene: TNFRSF11A (TNF receptor superfamily member 11a; plus strand). Cytogenetic location: 18q21.33.
Variant type: single nucleotide variant.
Coding change: c.75+6G>C on transcript NM_003839.4 (MANE Select); 6 bases into the intron after coding-DNA position 75, G replaced by C.
Molecular consequence: intron variant.
Genome position (GRCh38, 1-based): chr18:62,325,433, G>C. VCF-style: chr18-62325433-G-C. GRCh37 (hg19) VCF-style: chr18-59992666-G-C.
Other names: c.75+6G>C (NM_001270949.2, NM_001270950.2, NM_001270951.2 and 1 more transcripts).
Identifiers: ClinVar variation 4733168 (VCV004733168.1).